The following is an entry in ClinVar:

ClinVar aggregate classification (germline): Uncertain significance. Review status: criteria provided, multiple submitters, no conflicts (2 of 4 stars). 10 submissions from 9 submitters: Uncertain significance (9). 1 of the submissions does not count toward it. Last evaluated 2026-01-11.

Conditions:
Facial dysmorphism-immunodeficiency-livedo-short stature syndrome. Also called: Facial dysmorphism, immunodeficiency, livedo, and short stature; FILS syndrome. Identifiers: Orphanet 352712, MedGen C3554576, MONDO:0014058, OMIM 615139.
Colorectal cancer, susceptibility to, 12 (CRCS12). Also called: COLORECTAL CANCER, SUSCEPTIBILITY TO, ON CHROMOSOME 12q24. Identifiers: Orphanet 220460, MedGen C3554460, MONDO:0014038, OMIM 615083.
Intrauterine growth retardation, metaphyseal dysplasia, adrenal hypoplasia congenita, genital anomalies, and immunodeficiency. Also called: IMAGEI SYNDROME. Identifiers: MedGen C5193036, MONDO:0032684, OMIM 618336.
Hereditary cancer-predisposing syndrome. Also called: Hereditary neoplastic syndrome; Neoplastic Syndromes, Hereditary; Hereditary Cancer Syndrome; Tumor predisposition. Identifiers: Orphanet 140162, MedGen C0027672, MeSH D009386, MONDO:0015356.
Carcinoma of colon (CRC). Also called: Colon carcinoma; Colonic carcinoma. Identifiers: MedGen C0699790, MONDO:0002032.

Allele frequency attached by ClinVar (database versions not stated): ExAC 0.00002; gnomAD 0.00002; gnomAD exomes 0.00003; TOPMed 0.00004.
gnomAD v4.1: 135 of 1,613,852 alleles (0.0084%); highest among the groups gnomAD compares: Non-Finnish European, 0.011%; no homozygotes.

Submissions (10):

Labcorp Genetics (formerly Invitae), Labcorp
Classification: Uncertain significance. Last evaluated: 2026-01-11. Review status: criteria provided, single submitter. Criteria: Invitae Variant Classification Sherloc (09022015). Collection method: clinical testing. Allele origin: germline.
Comment: This sequence change replaces asparagine, which is neutral and polar, with aspartic acid, which is acidic and polar, at codon 1921 of the POLE protein (p.Asn1921Asp). This variant is present in population databases (rs771980261, gnomAD 0.005%). This variant has not been reported in the literature in individuals affected with POLE-related conditions. ClinVar contains an entry for this variant (Variation ID: 405854). Invitae Evidence Modeling of protein sequence and biophysical properties (such as structural, functional, and spatial information, amino acid conservation, physicochemical variation, residue mobility, and thermodynamic stability) indicates that this missense variant is not expected to disrupt POLE protein function with a negative predictive value of 80%. In summary, the available evidence is currently insufficient to determine the role of this variant in disease. Therefore, it has been classified as a Variant of Uncertain Significance.

Center for Genomic Medicine, Rigshospitalet, Copenhagen University Hospital
Classification: Uncertain significance. Last evaluated: 2025-12-29. Review status: criteria provided, single submitter. Criteria: ACMG Guidelines, 2015. Collection method: clinical testing. Allele origin: germline.

GeneDx
Classification: Uncertain significance. Last evaluated: 2025-05-15. Review status: criteria provided, single submitter. Criteria: GeneDx Variant Classification Process June 2021. Collection method: clinical testing. Allele origin: germline. Affected: yes.
Comment: In silico analysis supports that this missense variant has a deleterious effect on protein structure/function; This variant is associated with the following publications: (PMID: 34326862, 35534704)

Ambry Genetics
Classification: Uncertain significance for Hereditary cancer-predisposing syndrome. Last evaluated: 2024-10-17. Review status: criteria provided, single submitter. Criteria: Ambry Variant Classification Scheme 2023. Collection method: clinical testing. Allele origin: germline.
Comment: The p.N1921D variant (also known as c.5761A>G), located in coding exon 42 of the POLE gene, results from an A to G substitution at nucleotide position 5761. The asparagine at codon 1921 is replaced by aspartic acid, an amino acid with highly similar properties. This amino acid position is highly conserved in available vertebrate species. In addition, this alteration is predicted to be tolerated by in silico analysis. Based on the available evidence, the clinical significance of this variant remains unclear.

Blueprint Genetics
Classification: Uncertain significance. Last evaluated: 2024-10-17. Review status: criteria provided, single submitter. Criteria: ACMG Guidelines, 2015. Collection method: clinical testing. Allele origin: germline.

Fulgent Genetics
Classification: Uncertain significance for Colorectal cancer, susceptibility to, 12; Facial dysmorphism-immunodeficiency-livedo-short stature syndrome; Intrauterine growth retardation, metaphyseal dysplasia, adrenal hypoplasia congenita, genital anomalies, and immunodeficiency. Last evaluated: 2024-01-05. Review status: criteria provided, single submitter. Criteria: ACMG Guidelines, 2015. Collection method: clinical testing. Allele origin: germline.

Fulgent Genetics
Classification: Uncertain significance for Colorectal cancer, susceptibility to, 12; Facial dysmorphism-immunodeficiency-livedo-short stature syndrome. Last evaluated: 2018-10-31. Review status: criteria provided, single submitter. Criteria: ACMG Guidelines, 2015. Collection method: clinical testing. Allele origin: unknown.

Quest Diagnostics Nichols Institute San Juan Capistrano
Classification: Uncertain significance. Last evaluated: 2018-01-20. Review status: criteria provided, single submitter. Criteria: Quest Diagnostics criteria. Collection method: clinical testing. Allele origin: germline.

Laboratory for Molecular Medicine, Mass General Brigham Personalized Medicine
Classification: Uncertain significance. Last evaluated: 2017-02-26. Review status: criteria provided, single submitter. Criteria: LMM Criteria. Collection method: clinical testing. Allele origin: germline. Observed: 1 variant allele.
Comment: The p.Asn1921Asp variant in POLE has not been previously reported in individuals with colorectal cancer but has been identified in 3/66620 of European chromosom es by the Exome Aggregation Consortium (ExAC; db SNP rs771980261). Computational prediction tools and conservation analysis sugge st that the p.Asn1921Asp variant may impact the protein, though this information is not predictive enough to determine pathogenicity. In summary, the clinical s ignificance of the p.Asn1921Asp variant is uncertain.

Department of Pathology and Laboratory Medicine, Sinai Health System
Classification: Uncertain significance for Carcinoma of colon. Review status: no assertion criteria provided. Collection method: clinical testing. Allele origin: unknown. Affected: yes. Study: The Canadian Open Genetics Repository (COGR). Not counted in ClinVar's aggregate classification.
Comment: The POLE p.Asn1921Asp variant was not identified in the literature, nor was it identified in Cosmic, or MutDB databases. The variant was identified in dbSNP (ID: rs771980261) as "With Uncertain significance allele", ClinVar (classified as uncertain significance by Invitae and Laboratory for Molecular Medicine, Partners HealthCare Personalized Medicine), and Clinvitae. The variant was identified in control databases in 8 of 277116 chromosomes at a frequency of 0.00003 (Genome Aggregation Database Feb 27, 2017). It was observed in the following populations: African in 1 of 24030 chromosomes (freq: 0.00004), Latino in 1 of 34372 chromosomes (freq: 0.00003), European in 6 of 126678 chromosomes (freq: 0.0001); but not observed in the Other, Ashkenazi Jewish, East Asian, Finnish, or South Asian populations. The p.Asn1921 residue is conserved across mammals and other organisms, and four out of five computational analyses (PolyPhen-2, SIFT, AlignGVGD, BLOSUM, MutationTaster) suggest that the variant may impact the protein; however, this information is not predictive enough to assume pathogenicity. The variant occurs outside of the splicing consensus sequence and in silico or computational prediction software programs (SpliceSiteFinder, MaxEntScan, NNSPLICE, GeneSplicer, HumanSpliceFinder) do not predict a difference in splicing. In summary, based on the above information the clinical significance of this variant cannot be determined with certainty at this time. This variant is classified as a variant of uncertain significance.

NM_006231.4(POLE):c.5761A>G (p.Asn1921Asp)

Gene: POLE (DNA polymerase epsilon, catalytic subunit; minus strand). Cytogenetic location: 12q24.33.
Variant type: single nucleotide variant.
Coding change: c.5761A>G on transcript NM_006231.4 (MANE Select); coding-DNA position 5761, A replaced by G.
Protein change: p.Asn1921Asp; replaces asparagine 1921 with aspartic acid.
Molecular consequence: missense variant.
Genome position (GRCh38, 1-based): chr12:132,635,942, T>C on the plus strand (A>G on the coding strand, the complement: POLE is on the minus strand). VCF-style: chr12-132635942-T-C. GRCh37 (hg19) VCF-style: chr12-133212528-T-C.
Other names: short protein forms N1921D.
Identifiers: ClinVar variation 405854 (VCV000405854.28), dbSNP rs771980261, ClinGen allele CA6892404.
Genomic context (GRCh38, chr12:132,635,942, plus strand): 5'-GCTCGCTTACCAGTCCACAGTGAATACGAGATGAAACTTTTCCTTTGATTCCGCCATAGT[T>C]AGATGGATCCATCCAGAGAAGAAATTCCCAGCATCGAGAGAAAGAAATTGTCAGAGAATG-3'
Protein context (NP_006222.2, residues 1911-1931): WEFLLWMDPS[Asn1921Asp]YGGIKGKVSS